The following is an entry in ClinVar:

ClinVar aggregate classification (germline): Pathogenic/Likely pathogenic. Review status: criteria provided, multiple submitters, no conflicts (2 of 4 stars). 12 submissions from 12 submitters: Pathogenic (5); Likely pathogenic (6). 1 of the submissions does not count toward it. Last evaluated 2025-10-31.

Conditions:
Inborn genetic diseases. Identifiers: MedGen C0950123, MeSH D030342.
Nonpapillary renal cell carcinoma. Identifiers: Orphanet 422526, MedGen CN074294, MONDO:0007763, OMIM 144700.
Type 2 diabetes mellitus. Also called: Type II diabetes mellitus. Identifiers: MedGen C0011860, MeSH D003924, MONDO:0005148, OMIM 125853, HP:0005978.
Renal cysts and diabetes syndrome (RCAD). Also called: Familial hypoplastic, glomerulocystic kidney; MATURITY-ONSET DIABETES OF THE YOUNG, TYPE 5. Identifiers: Orphanet 93111, MedGen C0431693, MONDO:0007669, OMIM 137920.
HNF1B-related disorder. Also called: HNF1B-related disorders; HNF1B-related condition.

Submissions (12):

Labcorp Genetics (formerly Invitae), Labcorp
Classification: Pathogenic. Last evaluated: 2025-10-31. Review status: criteria provided, single submitter. Criteria: Invitae Variant Classification Sherloc (09022015). Collection method: clinical testing. Allele origin: germline.
Comment: This sequence change falls in intron 2 of the HNF1B gene. It does not directly change the encoded amino acid sequence of the HNF1B protein. It affects a nucleotide within the consensus splice site. This variant is not present in population databases (gnomAD no frequency). This variant has been observed in individuals with clinical features of HNF1B-related conditions (PMID: 20633866, 27838256, 30773290, 34789499). ClinVar contains an entry for this variant (Variation ID: 635668). Variants that disrupt the consensus splice site are a relatively common cause of aberrant splicing (PMID: 17576681, 9536098). Algorithms developed to predict the effect of sequence changes on RNA splicing suggest that this variant may disrupt the consensus splice site. For these reasons, this variant has been classified as Pathogenic.

Department of Pediatric Nephrology, Wuhan Children's Hospital
Classification: Pathogenic for Renal cysts and diabetes syndrome. Last evaluated: 2025-07-23. Review status: criteria provided, single submitter. Criteria: ACMG Guidelines, 2015. Collection method: clinical testing. Allele origin: maternal. Affected: yes.

Laboratory of Genetics, Children's Clinical University Hospital Latvia
Classification: Pathogenic. Last evaluated: 2025-02-16. Review status: criteria provided, single submitter. Criteria: ACMG Guidelines, 2015. Collection method: clinical testing. Allele origin: germline. Affected: yes.

Genomic Medicine Center of Excellence, King Faisal Specialist Hospital and Research Centre
Classification: Likely pathogenic for Renal cysts and diabetes syndrome. Last evaluated: 2024-12-19. Review status: criteria provided, single submitter. Criteria: ACMG Guidelines, 2015. Collection method: clinical testing. Allele origin: germline.

GeneDx
Classification: Pathogenic. Last evaluated: 2024-06-25. Review status: criteria provided, single submitter. Criteria: GeneDx Variant Classification Process June 2021. Collection method: clinical testing. Allele origin: germline. Affected: yes.
Comment: Intronic variant directly or indirectly altering the +5 splice site in a gene for which loss of function is a known mechanism of disease, and splice predictors support a deleterious effect; Not observed at significant frequency in large population cohorts (gnomAD); This variant is associated with the following publications: (PMID: 31509055, 20633866, 28324003, 15930087, 16133182, 25700310, 19389850, 11845237, 27838256, 30773290, 20378641, 22432796, 34789499, 33149276)

Revvity Omics, Revvity
Classification: Likely pathogenic. Last evaluated: 2024-04-30. Review status: criteria provided, single submitter. Criteria: ACMG Guidelines, 2015. Collection method: clinical testing. Allele origin: germline.

Blueprint Genetics
Classification: Likely pathogenic for HNF1B-related disorders. Last evaluated: 2023-03-02. Review status: criteria provided, single submitter. Criteria: ACMG Guidelines, 2015. Collection method: clinical testing. Allele origin: germline. Affected: yes. Observed: 1 variant allele.

Victorian Clinical Genetics Services, Murdoch Childrens Research Institute
Classification: Pathogenic for Renal cysts and diabetes syndrome. Last evaluated: 2022-02-02. Review status: criteria provided, single submitter. Criteria: ACMG Guidelines, 2015. Collection method: clinical testing. Allele origin: germline. Inheritance: Autosomal dominant inheritance.
Comment: Based on the classification scheme VCGS_Germline_v1.3.4, this variant is classified as Pathogenic. Following criteria are met: 0103 - Dominant negative, loss of function, and gain of function are all reported mechanisms of disease in this gene and are associated with type 2 diabetes mellitus (MIM#125853) and renal cysts and diabetes syndrome (MIM#137920; OMIM, PMID: 25536396, 11845238, 15509593). (I) 0107 - This gene is associated with autosomal dominant disease. (I) 0115 - Variants in this gene are known to have variable expressivity. There is significant inter- and intrafamilial variability of HNF1B nephropathy (PMID: 33305128). (I) 0212 - Non-canonical splice site variant without proven consequence on splicing (no functional evidence available). (SP) 0251 - This variant is heterozygous. (I) 0301 - Variant is absent from gnomAD (both v2 and v3). (SP) 0505 - Abnormal splicing is predicted by in silico tools and affected nucleotides are highly conserved. (SP) 0801 - This variant has strong previous evidence of pathogenicity in unrelated individuals. It has been reported in multiple individuals with renal disease and diabetes (ClinVar, PMID: 11845237, 30773290, 20378641, 15930087, 20633866). (SP) 0902 - This variant has moderate evidence for segregation with disease. It was shown to segregate with disease in 5 members of the same family (PMID: 11845237). (SP) 1208 - Inheritance information for this variant is not currently available in this individual. (I) Legend: (SP) - Supporting pathogenic, (I) - Information, (SB) - Supporting benign

Institute of Human Genetics, FAU Erlangen, Friedrich-Alexander-Universität Erlangen-Nürnberg
Classification: Likely pathogenic for Renal cysts and diabetes syndrome. Last evaluated: 2019-07-06. Review status: criteria provided, single submitter. Criteria: ACMG Guidelines, 2015. Collection method: literature only. Allele origin: germline. Affected: yes.
Comment: This variant and it's classification has been reported by Vasileiou et al. 2019; DOI:10.1101/576918. The variants has previously been reported in PMID:19389850; PMID:19389850; PMID:25700310; PMID:20378641; PMID:15930087; PMID:11845237; PMID:20633866; PMID:16133182 as "IVS2 544 + 3delAAGT; c.544+3_544+6delAAGT, IVS2+3_+6delAAGT; c.544+3_544+6delAAGT; c.544+3_+6delAAGT/N (IVS23_6delAAGT)" with clinical significance Pathogenic. It has been re-classified using InterVar and manual curation as Likely pathogenic based on PS4 PM2 PP1 PP3 PP5.

Ambry Genetics
Classification: Likely pathogenic for Inborn genetic diseases. Last evaluated: 2018-12-14. Review status: criteria provided, single submitter. Criteria: Ambry exome assertion method (8-5-2015). Collection method: clinical testing. Allele origin: germline. Affected: yes. Observed: 1 variant allele.

Juno Genomics, Hangzhou Juno Genomics, Inc
Classification: Likely pathogenic for Type 2 diabetes mellitus; Nonpapillary renal cell carcinoma; Renal cysts and diabetes syndrome. Review status: criteria provided, single submitter. Criteria: ACMG Guidelines, 2015. Collection method: clinical testing. Allele origin: germline. Affected: yes.
Comment: Absent from controls (or at extremely low frequency if recessive) in Genome Aggregation Database.;Multiple lines of computational evidence support a deleterious effect on the gene or gene product.;The prevalence of the variant in affected individuals is significantly increased compared to the prevalence in controls.;Co-segregation with disease in multiple affected family members.

Bioscientia Institut fuer Medizinische Diagnostik GmbH, Sonic Healthcare
Classification: Pathogenic for Renal cysts and diabetes syndrome. Last evaluated: 2019-12-16. Review status: no assertion criteria provided. Collection method: clinical testing. Allele origin: germline. Affected: yes. Not counted in ClinVar's aggregate classification.

Literature cited by the submitters: PubMed 20633866 (cited by 4 submitters); PubMed 27838256 (cited by Labcorp Genetics (formerly Invitae), Labcorp); PubMed 30773290 (cited by Labcorp Genetics (formerly Invitae), Labcorp and Victorian Clinical Genetics Services, Murdoch Childrens Research Institute); PubMed 34789499 (cited by Labcorp Genetics (formerly Invitae), Labcorp); PubMed 17576681 (cited by Labcorp Genetics (formerly Invitae), Labcorp); PubMed 9536098 (cited by Labcorp Genetics (formerly Invitae), Labcorp); PubMed 11845237 (cited by 3 submitters); PubMed 11845238 (cited by Victorian Clinical Genetics Services, Murdoch Childrens Research Institute); PubMed 15509593 (cited by Victorian Clinical Genetics Services, Murdoch Childrens Research Institute); PubMed 15930087 (cited by Victorian Clinical Genetics Services, Murdoch Childrens Research Institute and Institute of Human Genetics, FAU Erlangen, Friedrich-Alexander-Universität Erlangen-Nürnberg); PubMed 20378641 (cited by Victorian Clinical Genetics Services, Murdoch Childrens Research Institute and Institute of Human Genetics, FAU Erlangen, Friedrich-Alexander-Universität Erlangen-Nürnberg); PubMed 25536396 (cited by Victorian Clinical Genetics Services, Murdoch Childrens Research Institute); PubMed 33305128 (cited by Victorian Clinical Genetics Services, Murdoch Childrens Research Institute); PubMed 19389850 (cited by Institute of Human Genetics, FAU Erlangen, Friedrich-Alexander-Universität Erlangen-Nürnberg and Ambry Genetics); PubMed 25700310 (cited by Institute of Human Genetics, FAU Erlangen, Friedrich-Alexander-Universität Erlangen-Nürnberg); PubMed 16133182 (cited by Institute of Human Genetics, FAU Erlangen, Friedrich-Alexander-Universität Erlangen-Nürnberg); DOI 10.1101/576918 (cited by Institute of Human Genetics, FAU Erlangen, Friedrich-Alexander-Universität Erlangen-Nürnberg); PubMed 22432796 (cited by Ambry Genetics).

NM_000458.4(HNF1B):c.544+3_544+6del

Gene: HNF1B (HNF1 homeobox B; minus strand). Cytogenetic location: 17q12.
Variant type: Deletion.
Coding change: c.544+3_544+6del on transcript NM_000458.4 (MANE Select); bases 3 to 6 of the intron after coding-DNA position 544, 4 bases deleted (AAGT; older notation c.544+3_544+6delAAGT).
Molecular consequence: splice donor variant.
Genome position (GRCh38, 1-based): chr17:37,739,434-37,739,437, ACTT deleted on the plus strand (AAGT on the coding strand, the reverse complement: HNF1B is on the minus strand); deleting any 4 consecutive bases within chr17:37,739,434-37,739,439 gives the same sequence; the c. name uses the placement nearest the transcript's 3' end. VCF-style (leftmost placement, unchanged base first): chr17-37739433-CACTT-C. GRCh37 (hg19) VCF-style: chr17-36099424-CACTT-C.
Other names: c.544+3_544+6del (NM_001304286.2, NM_001165923.4); c.544+3_544+6delAAGT (NM_000458.3, NM_000458.4).
Identifiers: ClinVar variation 635668 (VCV000635668.15), dbSNP rs2033925649, ClinGen allele CA913190784.
Genomic context (GRCh38, chr17:37,739,433, plus strand): 5'-GCAGCCAATGGGGTGAGAGGGCAAAGGTCACTTCAGGTTGAGGCAGAGGCAGGATGAAAA[CACTT>C]ACGTCGGAGGATCTCTCGTTGCTTTCTGACGTACCAGGTGTACAGAGCGGCACGCTTCTG-3'